The following is an entry in ClinVar:

NM_001211.6(BUB1B):c.2881C>T (p.His961Tyr)

Genes: BUB1B (BUB1 mitotic checkpoint serine/threonine kinase B; plus strand), BUB1B-PAK6 (BUB1B-PAK6 readthrough; plus strand). Cytogenetic location: 15q15.1.
Variant type: single nucleotide variant.
Coding change: c.2881C>T on transcript NM_001211.6 (MANE Select); coding-DNA position 2881, C replaced by T.
Protein change: p.His961Tyr; replaces histidine 961 with tyrosine.
Molecular consequence: missense variant. On other transcripts: intron variant (2).
Genome position (GRCh38, 1-based): chr15:40,218,486, C>T. VCF-style: chr15-40218486-C-T. GRCh37 (hg19) VCF-style: chr15-40510687-C-T.
Other names: c.-201+819C>T (NM_001128628.3); c.-118+819C>T (NM_001128629.3); short protein forms H961Y.
Identifiers: ClinVar variation 4600620 (VCV004600620.1).
Genomic context (GRCh38, chr15:40,218,486, plus strand): 5'-TTTAGCTGATGGTGCTTTTTGTGATTTCAGGTAGACCTGTTTGGTATAGCAGATTTAGCA[C>T]ATTTACTATTGTTCAAGGAACACCTACAGGTCTTCTGGGATGGGTCCTTCTGGAAACTTA-3'
Protein context (NP_001202.5, residues 951-971): VDLFGIADLA[His961Tyr]LLLFKEHLQV

ClinVar aggregate classification (germline): Uncertain significance (1 of 4 stars; one submission).

Conditions:
Inborn genetic diseases. Identifiers: MedGen C0950123, MeSH D030342.

Submission:

Ambry Genetics
Classification: Uncertain significance for Inborn genetic diseases. Last evaluated: 2025-11-25. Review status: criteria provided, single submitter. Criteria: Ambry Variant Classification Scheme 2023. Collection method: clinical testing. Allele origin: germline.
Comment: The p.H961Y variant (also known as c.2881C>T), located in coding exon 22 of the BUB1B gene, results from a C to T substitution at nucleotide position 2881. The histidine at codon 961 is replaced by tyrosine, an amino acid with similar properties. This amino acid position is conserved. In addition, the in silico prediction for this alteration is inconclusive. Based on the available evidence, the clinical significance of this variant remains unclear.